The following is an entry in ClinVar:

ClinVar aggregate classification (germline): Benign/Likely benign. Review status: criteria provided, multiple submitters, no conflicts (2 of 4 stars). 3 submissions from 3 submitters: Benign (1); Likely benign (1). 1 of the submissions does not count toward it. Last evaluated 2026-01-20.

Conditions:
Colorectal cancer, susceptibility to, 12 (CRCS12). Also called: COLORECTAL CANCER, SUSCEPTIBILITY TO, ON CHROMOSOME 12q24. Identifiers: Orphanet 220460, MedGen C3554460, MONDO:0014038, OMIM 615083.

Allele frequency attached by ClinVar (database versions not stated): gnomAD 0.00005 and 0.00001; gnomAD exomes 0.00011; ExAC 0.00015; 1000 Genomes Project 30x 0.00031; 1000 Genomes Project 0.00040; TOPMed 0.00001.
gnomAD v4.1: 88 of 1,547,214 alleles (0.0057%); highest among the groups gnomAD compares: South Asian, 0.091%; no homozygotes.

Submissions (3):

Labcorp Genetics (formerly Invitae), Labcorp
Classification: Benign. Last evaluated: 2026-01-20. Review status: criteria provided, single submitter. Criteria: Invitae Variant Classification Sherloc (09022015). Collection method: clinical testing. Allele origin: germline.

GeneDx
Classification: Likely benign. Last evaluated: 2017-08-31. Review status: criteria provided, single submitter. Criteria: GeneDx Variant Classification (06012015). Collection method: clinical testing. Allele origin: germline. Affected: yes.
Comment: This variant is considered likely benign or benign based on one or more of the following criteria: it is a conservative change, it occurs at a poorly conserved position in the protein, it is predicted to be benign by multiple in silico algorithms, and/or has population frequency not consistent with disease.

Counsyl
Classification: Likely benign for Colorectal cancer, susceptibility to, 12. Last evaluated: 2016-08-03. Review status: no assertion criteria provided. Collection method: clinical testing. Allele origin: unknown. Not counted in ClinVar's aggregate classification.

NM_006231.4(POLE):c.3378+15C>T

Gene: POLE (DNA polymerase epsilon, catalytic subunit; minus strand). Cytogenetic location: 12q24.33.
Variant type: single nucleotide variant.
Coding change: c.3378+15C>T on transcript NM_006231.4 (MANE Select); 15 bases into the intron after coding-DNA position 3378, C replaced by T.
Molecular consequence: intron variant.
Genome position (GRCh38, 1-based): chr12:132,657,853, G>A on the plus strand (C>T on the coding strand, the complement: POLE is on the minus strand). VCF-style: chr12-132657853-G-A. GRCh37 (hg19) VCF-style: chr12-133234439-G-A.
Identifiers: ClinVar variation 371911 (VCV000371911.11), dbSNP rs574954983, ClinGen allele CA6893264.